The following is an entry in ClinVar:

ClinVar aggregate classification (germline): Likely pathogenic (1 of 4 stars; one submission).

Conditions:
PIBF1-related disorder. Also called: PIBF1-related condition.

Submission:

PreventionGenetics, part of Exact Sciences
Classification: Likely pathogenic for PIBF1-related condition. Last evaluated: 2026-05-20. Review status: criteria provided, single submitter. Criteria: ACMG Guidelines, 2015. Collection method: clinical testing. Allele origin: germline.
Comment: The PIBF1 c.1978_1981delGAAA variant is predicted to result in a frameshift and premature protein termination (p.Glu660Serfs*13). To our knowledge, this variant has not been reported in the literature. This variant is reported in 0.039% of alleles in individuals of African descent in gnomAD. Frameshift variants in PIBF1 are expected to be pathogenic. This variant is interpreted as likely pathogenic.

NM_006346.4(PIBF1):c.1978_1981del (p.Glu660fs)

Gene: PIBF1 (progesterone immunomodulatory binding factor 1; plus strand). Cytogenetic location: 13q22.1.
Variant type: Deletion.
Coding change: c.1978_1981del on transcript NM_006346.4 (MANE Select); coding-DNA positions 1978 to 1981, 4 bases deleted (GAAA; older notation c.1978_1981delGAAA).
Protein change: p.Glu660fs; shifts the reading frame from glutamic acid 660.
Molecular consequence: frameshift variant. On other transcripts: non-coding transcript variant (1).
Genome position (GRCh38, 1-based): chr13:72,973,604-72,973,607, GAAA deleted; deleting any 4 consecutive bases within chr13:72,973,601-72,973,607 gives the same sequence; the c. name uses the placement nearest the transcript's 3' end. VCF-style (leftmost placement, unchanged base first): chr13-72973600-TAAAG-T. GRCh37 (hg19) VCF-style: chr13-73547738-TAAAG-T.
Other names: c.2065_2068del, p.Glu689fs (NM_001349655.2); short protein forms E689fs, E660fs.
Identifiers: ClinVar variation 4979468 (VCV004979468.1).